The following is an entry in ClinVar:

ClinVar aggregate classification (germline): Likely benign. Review status: criteria provided, multiple submitters, no conflicts (2 of 4 stars). 5 submissions from 5 submitters: Likely benign (4). 1 of the submissions does not count toward it. Last evaluated 2026-01-26.

Conditions:
Jeune thoracic dystrophy. Also called: Jeune syndrome; Infantile thoracic dystrophy; Thoracic pelvic phalangeal dystrophy; Jeune's syndrome; Chondroectodermal dysplasia-like syndrome; Short-rib thoracic dysplasia. Identifiers: Orphanet 474, MedGen C0265275, MONDO:0018770.
Nephronophthisis. Also called: Juvenile Nephronophthisis. Identifiers: Orphanet 655, MedGen C0687120, MONDO:0019005, HP:0000090.

Allele frequency attached by ClinVar (database versions not stated): gnomAD exomes 0.00034; ExAC 0.00042; gnomAD 0.00117 and 0.00124; ESP Exome Variant Server 0.00138; TOPMed 0.00145; 1000 Genomes Project 0.00240; 1000 Genomes Project 30x 0.00265.
gnomAD v4.1: 351 of 1,613,014 alleles (0.022%); highest among the groups gnomAD compares: African/African-American, 0.42%; 1 homozygote.

Submissions (5):

Labcorp Genetics (formerly Invitae), Labcorp
Classification: Likely benign for Jeune thoracic dystrophy; Nephronophthisis. Last evaluated: 2026-01-26. Review status: criteria provided, single submitter. Criteria: Invitae Variant Classification Sherloc (09022015). Collection method: clinical testing. Allele origin: germline.

Blueprint Genetics
Classification: Likely benign. Last evaluated: 2024-10-02. Review status: criteria provided, single submitter. Criteria: ACMG Guidelines, 2015. Collection method: clinical testing. Allele origin: germline.

GeneDx
Classification: Likely benign. Last evaluated: 2021-04-08. Review status: criteria provided, single submitter. Criteria: GeneDx Variant Classification Process June 2021. Collection method: clinical testing. Allele origin: germline. Affected: yes.

PreventionGenetics, part of Exact Sciences
Classification: Likely benign. Review status: criteria provided, single submitter. Criteria: ACMG Guidelines, 2015. Collection method: clinical testing. Allele origin: germline.

Genetic Services Laboratory, University of Chicago
Classification: Uncertain significance. Last evaluated: 2022-08-26. Review status: no assertion criteria provided. Collection method: clinical testing. Allele origin: germline. Affected: no. Not counted in ClinVar's aggregate classification.
Comment: DNA sequence analysis of the TTC21B gene demonstrated a sequence change, c.2161A>C, in exon 16 that results in an amino acid change, p.Asn721His. This sequence change does not appear to have been previously described in individuals with TTC21B-related. This sequence change has been described in the gnomAD database with a frequency of 0.44% in the African subpopulation and 0.042% in the overall population (dbSNP rs146637219). The p.Asn721His change affects a poorly conserved amino acid residue located in a domain of the TTC21B protein that is known to be functional. In-silico pathogenicity prediction tools (SIFT, PolyPhen2, Align GVGD, REVEL) provide contradictory results for the p.Asn721His substitution. Due to insufficient evidences and the lack of functional studies, the clinical significance of the p.Asn721His change remains unknown at this time.

NM_024753.5(TTC21B):c.2161A>C (p.Asn721His)

Gene: TTC21B (tetratricopeptide repeat domain 21B; minus strand). Cytogenetic location: 2q24.3.
Variant type: single nucleotide variant.
Coding change: c.2161A>C on transcript NM_024753.5 (MANE Select); coding-DNA position 2161, A replaced by C.
Protein change: p.Asn721His; replaces asparagine 721 with histidine.
Molecular consequence: missense variant.
Genome position (GRCh38, 1-based): chr2:165,913,624, T>G on the plus strand (A>C on the coding strand, the complement: TTC21B is on the minus strand). VCF-style: chr2-165913624-T-G. GRCh37 (hg19) VCF-style: chr2-166770134-T-G.
Other names: short protein forms N721H.
Identifiers: ClinVar variation 261772 (VCV000261772.17), dbSNP rs146637219, ClinGen allele CA1941912.